The following is an entry in ClinVar:

ClinVar aggregate classification (germline): Likely benign. Review status: criteria provided, multiple submitters, no conflicts (2 of 4 stars). 4 submissions from 4 submitters: Likely benign (3). 1 of the submissions does not count toward it. Last evaluated 2025-07-30.

Conditions:
RAD50-related disorder. Also called: RAD50-related condition.
Hereditary cancer-predisposing syndrome. Also called: Hereditary neoplastic syndrome; Neoplastic Syndromes, Hereditary; Tumor predisposition; Hereditary Cancer Syndrome. Identifiers: Orphanet 140162, MedGen C0027672, MeSH D009386, MONDO:0015356.

Allele frequency attached by ClinVar (database versions not stated): gnomAD 0.00001.

Submissions (4):

Labcorp Genetics (formerly Invitae), Labcorp
Classification: Likely benign for Hereditary cancer-predisposing syndrome. Last evaluated: 2025-07-30. Review status: criteria provided, single submitter. Criteria: Invitae Variant Classification Sherloc (09022015). Collection method: clinical testing. Allele origin: germline.

Quest Diagnostics Nichols Institute San Juan Capistrano
Classification: Likely benign. Last evaluated: 2025-04-28. Review status: criteria provided, single submitter. Criteria: Quest Diagnostics criteria. Collection method: clinical testing. Allele origin: unknown.

Ambry Genetics
Classification: Likely benign for Hereditary cancer-predisposing syndrome. Last evaluated: 2014-12-22. Review status: criteria provided, single submitter. Criteria: Ambry Variant Classification Scheme 2023. Collection method: clinical testing. Allele origin: germline.

PreventionGenetics, part of Exact Sciences
Classification: Likely benign for RAD50-related condition. Last evaluated: 2021-12-17. Review status: no assertion criteria provided. Collection method: clinical testing. Allele origin: germline. Not counted in ClinVar's aggregate classification.
Comment: This variant is classified as likely benign based on ACMG/AMP sequence variant interpretation guidelines (Richards et al. 2015 PMID: 25741868, with internal and published modifications).

NM_005732.4(RAD50):c.2790C>A (p.Ile930=)

Gene: RAD50 (RAD50 double strand break repair protein; plus strand). Cytogenetic location: 5q31.1.
Variant type: single nucleotide variant.
Coding change: c.2790C>A on transcript NM_005732.4 (MANE Select); coding-DNA position 2790, C replaced by A.
Protein change: p.Ile930=; no amino-acid change (isoleucine 930 retained).
Molecular consequence: synonymous variant.
Genome position (GRCh38, 1-based): chr5:132,608,686, C>A. VCF-style: chr5-132608686-C-A. GRCh37 (hg19) VCF-style: chr5-131944378-C-A.
Identifiers: ClinVar variation 185227 (VCV000185227.19), dbSNP rs786202014, ClinGen allele CA191378.
Genomic context (GRCh38, chr5:132,608,686, plus strand): 5'-GCAGGTAAGCCCTTTGGAAACAACATTGGAAAAGTTCCAGCAAGAAAAAGAAGAATTAAT[C>A]AACAAAAAAAATACAAGCAACAAAATAGCACAGGATAAAGTAAGATTTCATTTATATATT-3'
Protein context (NP_005723.2, residues 920-940): EKFQQEKEEL[Ile930=]NKKNTSNKIA